The following is an entry in ClinVar:

NM_006659.4(TUBGCP2):c.131T>C (p.Val44Ala)

Gene: TUBGCP2 (tubulin gamma complex component 2; minus strand). Cytogenetic location: 10q26.3.
Variant type: single nucleotide variant.
Coding change: c.131T>C on transcript NM_006659.4 (MANE Select); coding-DNA position 131, T replaced by C.
Protein change: p.Val44Ala; replaces valine 44 with alanine.
Molecular consequence: missense variant. On other transcripts: non-coding transcript variant (1), intron variant (1).
Genome position (GRCh38, 1-based): chr10:133,302,811, A>G on the plus strand (T>C on the coding strand, the complement: TUBGCP2 is on the minus strand). VCF-style: chr10-133302811-A-G. GRCh37 (hg19) VCF-style: chr10-135116315-A-G.
Other names: c.131T>C, p.Val44Ala (NM_001256617.2); c.-240-2698T>C (NM_001256618.2); short protein forms V44A.
Identifiers: ClinVar variation 2633192 (VCV002633192.1), dbSNP rs2493665913, ClinGen allele CA378839649.

ClinVar aggregate classification (germline): Uncertain significance (1 of 4 stars; one submission).

Conditions:
TUBGCP2-related disorder. Also called: TUBGCP2-related condition.

Submission:

PreventionGenetics, part of Exact Sciences
Classification: Uncertain significance for TUBGCP2-related condition. Last evaluated: 2023-06-01. Review status: criteria provided, single submitter. Criteria: ACMG Guidelines, 2015. Collection method: clinical testing. Allele origin: germline.
Comment: The TUBGCP2 c.131T>C variant is predicted to result in the amino acid substitution p.Val44Ala. To our knowledge, this variant has not been reported in the literature or in a large population database, indicating this variant is rare. At this time, the clinical significance of this variant is uncertain due to the absence of conclusive functional and genetic evidence.